The following is an entry in ClinVar:

NM_052947.4(ALPK2):c.556A>G (p.Ser186Gly)

Gene: ALPK2 (alpha kinase 2; minus strand). Cytogenetic location: 18q21.31.
Variant type: single nucleotide variant.
Coding change: c.556A>G on transcript NM_052947.4 (MANE Select); coding-DNA position 556, A replaced by G.
Protein change: p.Ser186Gly; replaces serine 186 with glycine.
Molecular consequence: missense variant.
Genome position (GRCh38, 1-based): chr18:58,580,220, T>C on the plus strand (A>G on the coding strand, the complement: ALPK2 is on the minus strand). VCF-style: chr18-58580220-T-C. GRCh37 (hg19) VCF-style: chr18-56247452-T-C.
Other names: short protein forms S186G.
Identifiers: ClinVar variation 3228802 (VCV003228802.1), dbSNP rs756122035, ClinGen allele CA402567722.

ClinVar aggregate classification (germline): Uncertain significance (1 of 4 stars; one submission).

Submission:

Ambry Genetics
Classification: Uncertain significance. Last evaluated: 2024-02-16. Review status: criteria provided, single submitter. Criteria: Ambry Variant Classification Scheme 2023. Collection method: clinical testing. Allele origin: germline.
Comment: The p.S186G variant (also known as c.556A>G), located in coding exon 3 of the ALPK2 gene, results from an A to G substitution at nucleotide position 556. The serine at codon 186 is replaced by glycine, an amino acid with similar properties. This amino acid position is conserved. In addition, this alteration is predicted to be tolerated by in silico analysis. Based on the available evidence, the clinical significance of this alteration remains unclear.